The following is an entry in ClinVar:

NM_001099274.3(TINF2):c.220C>T (p.Arg74Trp)

Gene: TINF2 (TERF1 interacting nuclear factor 2; minus strand). Cytogenetic location: 14q12.
Variant type: single nucleotide variant.
Coding change: c.220C>T on transcript NM_001099274.3 (MANE Select); coding-DNA position 220, C replaced by T.
Protein change: p.Arg74Trp; replaces arginine 74 with tryptophan.
Molecular consequence: missense variant. On other transcripts: intron variant (1).
Genome position (GRCh38, 1-based): chr14:24,241,967, G>A on the plus strand (C>T on the coding strand, the complement: TINF2 is on the minus strand). VCF-style: chr14-24241967-G-A. GRCh37 (hg19) VCF-style: chr14-24711173-G-A.
Other names: c.220C>T, p.Arg74Trp (NM_012461.3); c.192+174C>T (NM_001363668.2); short protein forms R74W.
Identifiers: ClinVar variation 4749541 (VCV004749541.1).
Genomic context (GRCh38, chr14:24,241,967, plus strand): 5'-CTATAGGTCCAGATTCTGGAAAGTGGTGATTCAGGGCTTTCAGGACTTGGGCCCAAGGCC[G>A]GCCCTGCAGGATCAGCTCCACCACCACCTGTACGGTACTGAATTCAGAATCCCCACTTCG-3'
Protein context (NP_001092744.1, residues 64-84): KVVVELILQG[Arg74Trp]PWAQVLKALN

ClinVar aggregate classification (germline): Uncertain significance (1 of 4 stars; one submission).

Conditions:
Dyskeratosis congenita. Identifiers: Orphanet 1775, MedGen C0265965, MONDO:0015780.

Submission:

Labcorp Genetics (formerly Invitae), Labcorp
Classification: Uncertain significance for Dyskeratosis congenita. Last evaluated: 2025-06-16. Review status: criteria provided, single submitter. Criteria: Invitae Variant Classification Sherloc (09022015). Collection method: clinical testing. Allele origin: germline.
Comment: This sequence change replaces arginine, which is basic and polar, with tryptophan, which is neutral and slightly polar, at codon 74 of the TINF2 protein (p.Arg74Trp). This variant is not present in population databases (gnomAD no frequency). This variant has not been reported in the literature in individuals affected with TINF2-related conditions. An algorithm developed to predict the effect of missense changes on protein structure and function (PolyPhen-2) suggests that this variant is likely to be tolerated. Algorithms developed to predict the effect of sequence changes on RNA splicing suggest that this variant may disrupt the consensus splice site. In summary, the available evidence is currently insufficient to determine the role of this variant in disease. Therefore, it has been classified as a Variant of Uncertain Significance.